The following is an entry in ClinVar:

NM_000264.5(PTCH1):c.3241G>A (p.Val1081Met)

Gene: PTCH1 (patched 1; minus strand). Cytogenetic location: 9q22.32.
Variant type: single nucleotide variant.
Coding change: c.3241G>A on transcript NM_000264.5 (MANE Select); coding-DNA position 3241, G replaced by A.
Protein change: p.Val1081Met; replaces valine 1081 with methionine.
Molecular consequence: missense variant. On other transcripts: non-coding transcript variant (1).
Genome position (GRCh38, 1-based): chr9:95,456,341, C>T on the plus strand (G>A on the coding strand, the complement: PTCH1 is on the minus strand). VCF-style: chr9-95456341-C-T. GRCh37 (hg19) VCF-style: chr9-98218623-C-T.
Other names: c.3241G>A (NM_000264.4); c.3043G>A, p.Val1015Met (NM_001083602.3); c.3238G>A, p.Val1080Met (NM_001083603.3); c.2788G>A, p.Val930Met (NM_001083604.3, NM_001083605.3, NM_001083606.3 and 1 more transcripts); c.3085G>A, p.Val1029Met (NM_001354918.2); short protein forms V1015M, V1081M, V930M, V1029M, V1080M.
Identifiers: ClinVar variation 135097 (VCV000135097.26), dbSNP rs587778629, ClinGen allele CA161684.

ClinVar aggregate classification (germline): Conflicting classifications of pathogenicity. Review status: criteria provided, conflicting classifications (1 of 4 stars). 12 submissions from 12 submitters: Likely pathogenic (1); Uncertain significance (2); Likely benign (8). 1 of the submissions does not count toward it. Last evaluated 2026-09-01.

Conditions:
Hereditary cancer-predisposing syndrome. Also called: Neoplastic Syndromes, Hereditary; Tumor predisposition; Hereditary neoplastic syndrome; Hereditary Cancer Syndrome. Identifiers: Orphanet 140162, MedGen C0027672, MeSH D009386, MONDO:0015356.
Anophthalmia-microphthalmia syndrome. Also called: Anophthalmia - microphthalmia; Anophthalmia/Microphthalmia. Identifiers: Orphanet 98555, MedGen C5680330, MONDO:0020147.
Gorlin syndrome. Also called: Nevoid Basal Cell Carcinoma Syndrome; Basal cell nevus syndrome. Identifiers: Orphanet 377, MedGen C0004779, MONDO:0007187.
PTCH1-related disorder. Also called: PTCH1-related disorders; PTCH1-related condition.

Allele frequency attached by ClinVar (database versions not stated): gnomAD 0.00007; gnomAD exomes 0.00007 and 0.00009; TOPMed 0.00008; ExAC 0.00010.
gnomAD v4.1: 115 of 1,614,112 alleles (0.0071%); highest among the groups gnomAD compares: Admixed American, 0.032%; no homozygotes.

Submissions (12):

CeGaT Center for Human Genetics Tuebingen
Classification: Uncertain significance. Last evaluated: 2026-09-01. Review status: criteria provided, single submitter. Criteria: CeGaT Center For Human Genetics Tuebingen Variant Classification Criteria Version 2. Collection method: clinical testing. Allele origin: germline. Affected: yes. Observed: 1 variant allele.
Comment: PTCH1: PP3

Labcorp Genetics (formerly Invitae), Labcorp
Classification: Likely benign for Gorlin syndrome. Last evaluated: 2026-01-26. Review status: criteria provided, single submitter. Criteria: Invitae Variant Classification Sherloc (09022015). Collection method: clinical testing. Allele origin: germline.

PreventionGenetics, part of Exact Sciences
Classification: Likely benign for PTCH1-related condition. Last evaluated: 2025-07-20. Review status: criteria provided, single submitter. Criteria: ACMG Guidelines, 2015. Collection method: clinical testing. Allele origin: germline.
Comment: This variant is classified as likely benign based on ACMG/AMP sequence variant interpretation guidelines (Richards et al. 2015 PMID: 25741868, with internal and published modifications).

Center for Genomic Medicine, Rigshospitalet, Copenhagen University Hospital
Classification: Uncertain significance. Last evaluated: 2025-03-04. Review status: criteria provided, single submitter. Criteria: ACMG Guidelines, 2015. Collection method: clinical testing. Allele origin: germline.
Comment: Classification criteria: PP3_moderate

Quest Diagnostics Nichols Institute San Juan Capistrano
Classification: Likely benign. Last evaluated: 2024-12-24. Review status: criteria provided, single submitter. Criteria: Quest Diagnostics criteria. Collection method: clinical testing. Allele origin: unknown.

Women's Health and Genetics/Laboratory Corporation of America, LabCorp
Classification: Likely benign. Last evaluated: 2024-10-31. Review status: criteria provided, single submitter. Criteria: LabCorp Variant Classification Summary - May 2015. Collection method: clinical testing. Allele origin: germline.
Comment: Variant summary: PTCH1 c.3241G>A (p.Val1081Met) results in a conservative amino acid change in the encoded protein sequence. Four of five in-silico tools predict a damaging effect of the variant on protein function. The variant allele was found at a frequency of 9.2e-05 in 251316 control chromosomes. The observed variant frequency is approximately 5-fold of the estimated maximal expected allele frequency for a pathogenic variant in PTCH1 causing Nevoid Basal Cell Carcinoma Syndrome (Gorlin Syndrome) phenotype (1.7e-05). c.3241G>A has been reported in the literature in one individual affected with colobomatous microphthalmia, corpus callosum abnormality, and atrial septal defects, without strong evidence for causality (Chassaing_2016). These report(s) do not provide unequivocal conclusions about association of the variant with Nevoid Basal Cell Carcinoma Syndrome (Gorlin Syndrome). To our knowledge, no experimental evidence demonstrating an impact on protein function has been reported. The following publication has been ascertained in the context of this evaluation (PMID: 26893459). ClinVar contains an entry for this variant (Variation ID: 135097). Based on the evidence outlined above, the variant was classified as likely benign.

Mendelics
Classification: Likely benign for Hereditary cancer-predisposing syndrome. Last evaluated: 2024-10-28. Review status: criteria provided, single submitter. Criteria: Mendelics Assertion Criteria 2017. Collection method: clinical testing. Allele origin: unknown.
Comment: The PTCH1 c.3241G>A (p.Val1081Met) variant (rs587778629) has a GnomAD 4.1.0 frequency of 0.00007125 (115 heterozygotes) with 0 homozygotes. There are 2 homozygotes in Mendelics database identified in patients with other phenotypes. This frequency and the number of homozygotes are not compatible to a variant causing the disease.

Blueprint Genetics
Classification: Likely benign. Last evaluated: 2024-03-02. Review status: criteria provided, single submitter. Criteria: ACMG Guidelines, 2015. Collection method: clinical testing. Allele origin: germline.

Sema4
Classification: Likely benign for Hereditary cancer-predisposing syndrome. Last evaluated: 2021-06-02. Review status: criteria provided, single submitter. Criteria: Sema4 Curation Guidelines. Collection method: curation. Allele origin: germline.

Ambry Genetics
Classification: Likely benign for Hereditary cancer-predisposing syndrome. Last evaluated: 2019-09-05. Review status: criteria provided, single submitter. Criteria: Ambry Variant Classification Scheme 2023. Collection method: clinical testing. Allele origin: germline.

Paul Sabatier University EA-4555, Paul Sabatier University
Classification: Likely pathogenic. Last evaluated: 2013-01-01. Review status: criteria provided, single submitter. Criteria: Chassaing et al. (Genome Res. 2016). Collection method: clinical testing, research. Allele origin: inherited, maternal. Inheritance: Autosomal dominant inheritance. Affected: yes. Observed: 1 heterozygote. Functional consequence: loss_of_function_variant.
Comment: rare variant, functional studies demonstrating is deleterious effect on protein.

ITMI
No classification provided. Condition: AllHighlyPenetrant. Last evaluated: 2013-09-19. Review status: no classification provided. Collection method: reference population. Allele origin: germline. Not counted in ClinVar's aggregate classification.
Comment: Please see associated publication for description of ethnicities

Literature cited by the submitters: PubMed 26893459 (cited by 4 submitters); PubMed 24728327 (cited by Quest Diagnostics Nichols Institute San Juan Capistrano and ITMI); PubMed 30762128 (cited by Quest Diagnostics Nichols Institute San Juan Capistrano).